The following is an entry in ClinVar:

NM_024675.4(PALB2):c.1085T>G (p.Leu362Arg)

Gene: PALB2 (partner and localizer of BRCA2; minus strand). Cytogenetic location: 16p12.2.
Variant type: single nucleotide variant.
Coding change: c.1085T>G on transcript NM_024675.4 (MANE Select); coding-DNA position 1085, T replaced by G.
Protein change: p.Leu362Arg; replaces leucine 362 with arginine.
Molecular consequence: missense variant.
Genome position (GRCh38, 1-based): chr16:23,635,461, A>C on the plus strand (T>G on the coding strand, the complement: PALB2 is on the minus strand). VCF-style: chr16-23635461-A-C. GRCh37 (hg19) VCF-style: chr16-23646782-A-C.
Other names: short protein forms L362R.
Identifiers: ClinVar variation 230940 (VCV000230940.19), dbSNP rs875989793, ClinGen allele CA10580021.

ClinVar aggregate classification (germline): Uncertain significance. Review status: criteria provided, multiple submitters, no conflicts (2 of 4 stars). 3 submissions from 3 submitters: Uncertain significance (3). Last evaluated 2025-02-03.

Conditions:
Familial cancer of breast. Also called: BREAST CANCER, FAMILIAL; hereditary breast carcinoma; Hereditary breast cancer. Identifiers: Orphanet 227535, MedGen C0346153, MONDO:0016419, OMIM 114480. Disease mechanism: loss of function.
Hereditary cancer-predisposing syndrome. Also called: Neoplastic Syndromes, Hereditary; Tumor predisposition; Hereditary Cancer Syndrome; Hereditary neoplastic syndrome. Identifiers: Orphanet 140162, MedGen C0027672, MeSH D009386, MONDO:0015356.

Allele frequency attached by ClinVar (database versions not stated): gnomAD exomes below 0.00001; TOPMed below 0.00001.

Submissions (3):

Labcorp Genetics (formerly Invitae), Labcorp
Classification: Uncertain significance for Familial cancer of breast. Last evaluated: 2025-02-03. Review status: criteria provided, single submitter. Criteria: Invitae Variant Classification Sherloc (09022015). Collection method: clinical testing. Allele origin: germline.
Comment: This sequence change replaces leucine, which is neutral and non-polar, with arginine, which is basic and polar, at codon 362 of the PALB2 protein (p.Leu362Arg). This variant is present in population databases (no rsID available, gnomAD 0.006%). This missense change has been observed in individual(s) with colorectal cancer (PMID: 28135145). ClinVar contains an entry for this variant (Variation ID: 230940). Invitae Evidence Modeling of protein sequence and biophysical properties (such as structural, functional, and spatial information, amino acid conservation, physicochemical variation, residue mobility, and thermodynamic stability) indicates that this missense variant is not expected to disrupt PALB2 protein function with a negative predictive value of 80%. In summary, the available evidence is currently insufficient to determine the role of this variant in disease. Therefore, it has been classified as a Variant of Uncertain Significance.

Ambry Genetics
Classification: Uncertain significance for Hereditary cancer-predisposing syndrome. Last evaluated: 2024-11-25. Review status: criteria provided, single submitter. Criteria: Ambry Variant Classification Scheme 2023. Collection method: clinical testing. Allele origin: germline.
Comment: The p.L362R variant (also known as c.1085T>G), located in coding exon 4 of the PALB2 gene, results from a T to G substitution at nucleotide position 1085. The leucine at codon 362 is replaced by arginine, an amino acid with dissimilar properties. This amino acid position is not well conserved in available vertebrate species. In addition, this alteration is predicted to be tolerated by in silico analysis. Based on the available evidence, the clinical significance of this variant remains unclear.

Color Diagnostics, LLC DBA Color Health
Classification: Uncertain significance for Hereditary cancer-predisposing syndrome. Last evaluated: 2024-07-29. Review status: criteria provided, single submitter. Criteria: ACMG Guidelines, 2015. Collection method: clinical testing. Allele origin: germline.
Comment: This missense variant replaces leucine with arginine at codon 362 of the PALB2 protein. Computational prediction suggests that this variant may not impact protein structure and function. To our knowledge, functional studies have not been reported for this variant. This variant has been reported in an individual affected with colorectal cancer (PMID: 28135145). This variant has been identified in 1/251360 chromosomes in the general population by the Genome Aggregation Database (gnomAD). The available evidence is insufficient to determine the role of this variant in disease conclusively. Therefore, this variant is classified as a Variant of Uncertain Significance.

Literature cited by the submitters: PubMed 28135145 (cited by Labcorp Genetics (formerly Invitae), Labcorp and Color Diagnostics, LLC DBA Color Health).